The following is an entry in ClinVar:

NM_033004.4(NLRP1):c.2963A>G (p.Lys988Arg)

Gene: NLRP1 (NLR family pyrin domain containing 1; minus strand). Cytogenetic location: 17p13.2.
Variant type: single nucleotide variant.
Coding change: c.2963A>G on transcript NM_033004.4 (MANE Select); coding-DNA position 2963, A replaced by G.
Protein change: p.Lys988Arg; replaces lysine 988 with arginine.
Molecular consequence: missense variant.
Genome position (GRCh38, 1-based): chr17:5,533,986, T>C on the plus strand (A>G on the coding strand, the complement: NLRP1 is on the minus strand). VCF-style: chr17-5533986-T-C. GRCh37 (hg19) VCF-style: chr17-5437306-T-C.
Other names: c.2963A>G, p.Lys988Arg (NM_001033053.3, NM_014922.5); c.2873A>G, p.Lys958Arg (NM_033006.4, NM_033007.4); short protein forms K958R, K988R.
Identifiers: ClinVar variation 2629537 (VCV002629537.3), dbSNP rs765304818, ClinGen allele CA8326976.

ClinVar aggregate classification (germline): Uncertain significance. Review status: criteria provided, multiple submitters, no conflicts (2 of 4 stars). 2 submissions from 2 submitters: Uncertain significance (2). Last evaluated 2025-07-15.

Conditions:
NLRP1-related disorder. Also called: NLRP1-related condition.

Allele frequency attached by ClinVar (database versions not stated): gnomAD 0.00001; TOPMed 0.00001; ExAC 0.00001; gnomAD exomes 0.00002.
gnomAD v4.1: 30 of 1,604,436 alleles (0.0019%); highest among the groups gnomAD compares: Non-Finnish European, 0.0024%; no homozygotes.

Submissions (2):

Labcorp Genetics (formerly Invitae), Labcorp
Classification: Uncertain significance. Last evaluated: 2025-07-15. Review status: criteria provided, single submitter. Criteria: Invitae Variant Classification Sherloc (09022015). Collection method: clinical testing. Allele origin: germline.
Comment: This sequence change replaces lysine, which is basic and polar, with arginine, which is basic and polar, at codon 988 of the NLRP1 protein (p.Lys988Arg). This variant is present in population databases (rs765304818, gnomAD 0.007%). This variant has not been reported in the literature in individuals affected with NLRP1-related conditions. ClinVar contains an entry for this variant (Variation ID: 2629537). An algorithm developed to predict the effect of missense changes on protein structure and function (PolyPhen-2) suggests that this variant is likely to be disruptive. In summary, the available evidence is currently insufficient to determine the role of this variant in disease. Therefore, it has been classified as a Variant of Uncertain Significance.

PreventionGenetics, part of Exact Sciences
Classification: Uncertain significance for NLRP1-related condition. Last evaluated: 2023-03-27. Review status: criteria provided, single submitter. Criteria: ACMG Guidelines, 2015. Collection method: clinical testing. Allele origin: germline.
Comment: The NLRP1 c.2963A>G variant is predicted to result in the amino acid substitution p.Lys988Arg. To our knowledge, this variant has not been reported in the literature. This variant is reported in 0.0062% of alleles in individuals of African descent in gnomAD. At this time, the clinical significance of this variant is uncertain due to the absence of conclusive functional and genetic evidence.